The following is an entry in ClinVar:

ClinVar aggregate classification (germline): not provided (0 of 4 stars; one submission).

Conditions:
Normal pregnancy. Identifiers: MedGen C0232989.

Submission:

Institute of Molecular and Cell Biology, University of Tartu
No classification provided. Condition: Normal pregnancy. Review status: no classification provided. Collection method: case-control. Allele origin: unknown. Affected: yes. Study: Kasak2014.
Comment: The study aimed to determine the contribution of copy number variants in the genetic etiology of normal and complicated pregnancies. The samples represented (i) maternal blood DNA drawn from healthy pregnant women during 1st or 2nd trimester and (ii) maternal and paternal blood DNA drawn at term pregnancy cases representing normal and complicated gestations (severe preeclampsia, PE; gestational diabetes, GD; small-for-gestational age newborn, SGA; large-for-gestational age newborn, LGA). We performed CNV calling based on genome-wide genotyping dataset (Illumina HumanOmniExpress-24-v1 BeadChip) by applying three algorithms, QuantiSNP, GADA (Genome Alteration Detection Algorithm) and CNstream in parallel. The acquired CNV calls were merged with HD-CNV (Hotspot Detector for Copy Number Variants) program and only the CNVs predicted by at least two programs, were considered in subsequent analysis.

Literature cited by the submitters: PubMed 25666259.

NM_001378183.1(PIEZO2):c.287-8763_287-2437del

Gene: PIEZO2 (piezo type mechanosensitive ion channel component 2; minus strand). Cytogenetic location: 18p11.21.
Variant type: Deletion.
Coding change: c.287-8763_287-2437del on transcript NM_001378183.1 (MANE Select); 8763 bases into the intron before coding-DNA position 287 through 2437 bases into the intron before coding-DNA position 287, 6,327 bases deleted.
Molecular consequence: intron variant.
Genome position (GRCh38, 1-based): chr18:10,913,665-10,919,991, 6,327 bases deleted. GRCh37 (hg19): chr18:10,913,663-10,919,989.
Other names: c.287-8763_287-2437del (NM_022068.4).
Identifiers: ClinVar variation 157410 (VCV000157410.2), ClinGen allele CA212458.